The following is an entry in ClinVar:

NM_025114.4(CEP290):c.6322G>T (p.Ala2108Ser)

Genes: CEP290 (centrosomal protein 290; minus strand), LOC129390514 (MPRA-validated peak1864 silencer; plus strand). Cytogenetic location: 12q21.32.
Variant type: single nucleotide variant.
Coding change: c.6322G>T on transcript NM_025114.4 (MANE Select); coding-DNA position 6322, G replaced by T.
Protein change: p.Ala2108Ser; replaces alanine 2108 with serine.
Molecular consequence: missense variant.
Genome position (GRCh38, 1-based): chr12:88,062,727, C>A on the plus strand (G>T on the coding strand, the complement: CEP290 is on the minus strand). VCF-style: chr12-88062727-C-A. GRCh37 (hg19) VCF-style: chr12-88456504-C-A.
Other names: short protein forms A2108S.
Identifiers: ClinVar variation 2505040 (VCV002505040.2), dbSNP rs2499596290, ClinGen allele CA385979197.

ClinVar aggregate classification (germline): Uncertain significance. Review status: criteria provided, multiple submitters, no conflicts (2 of 4 stars). 2 submissions from 2 submitters: Uncertain significance (2). Last evaluated 2022-12-06.

Submissions (2):

GeneDx
Classification: Uncertain significance. Last evaluated: 2022-12-06. Review status: criteria provided, single submitter. Criteria: GeneDx Variant Classification Process June 2021. Collection method: clinical testing. Allele origin: germline. Affected: yes.
Comment: Not observed at significant frequency in large population cohorts (gnomAD); In silico analysis supports that this missense variant does not alter protein structure/function; Has not been previously published as pathogenic or benign to our knowledge

Blueprint Genetics
Classification: Uncertain significance. Last evaluated: 2021-10-01. Review status: criteria provided, single submitter. Criteria: ACMG Guidelines, 2015. Collection method: clinical testing. Allele origin: germline.